The following is an entry in ClinVar:

ClinVar aggregate classification (germline): Uncertain significance (1 of 4 stars; one submission).

Allele frequency attached by ClinVar (database versions not stated): gnomAD exomes below 0.00001.
gnomAD v4.1: 2 of 1,608,668 alleles (0.00012%); highest among the groups gnomAD compares: Non-Finnish European, 0.00017%; no homozygotes.

Submission:

Labcorp Genetics (formerly Invitae), Labcorp
Classification: Uncertain significance. Last evaluated: 2023-07-29. Review status: criteria provided, single submitter. Criteria: Invitae Variant Classification Sherloc (09022015). Collection method: clinical testing. Allele origin: germline.
Comment: In summary, the available evidence is currently insufficient to determine the role of this variant in disease. Therefore, it has been classified as a Variant of Uncertain Significance. Advanced modeling of protein sequence and biophysical properties (such as structural, functional, and spatial information, amino acid conservation, physicochemical variation, residue mobility, and thermodynamic stability) performed at Invitae indicates that this missense variant is not expected to disrupt FLNB protein function. This variant has not been reported in the literature in individuals affected with FLNB-related conditions. This variant is not present in population databases (gnomAD no frequency). This sequence change replaces proline, which is neutral and non-polar, with threonine, which is neutral and polar, at codon 1196 of the FLNB protein (p.Pro1196Thr).

NM_001457.4(FLNB):c.3586C>A (p.Pro1196Thr)

Gene: FLNB (filamin B; plus strand). Cytogenetic location: 3p14.3.
Variant type: single nucleotide variant.
Coding change: c.3586C>A on transcript NM_001457.4 (MANE Select); coding-DNA position 3586, C replaced by A.
Protein change: p.Pro1196Thr; replaces proline 1196 with threonine.
Molecular consequence: missense variant.
Genome position (GRCh38, 1-based): chr3:58,123,552, C>A. VCF-style: chr3-58123552-C-A. GRCh37 (hg19) VCF-style: chr3-58109279-C-A.
Other names: c.3586C>A, p.Pro1196Thr (NM_001164317.2, NM_001164318.2, NM_001164319.2); short protein forms P1196T.
Identifiers: ClinVar variation 2825230 (VCV002825230.3), dbSNP rs2471124424, ClinGen allele CA353349106.